The following is an entry in ClinVar:

ClinVar aggregate classification (germline): Uncertain significance (1 of 4 stars; one submission).

Conditions:
Hereditary pheochromocytoma and paraganglioma. Also called: Hereditary paragangliomas and pheochromocytomas; Hereditary Paraganglioma-Pheochromocytoma Syndromes; Hereditary pheochromocytoma-paraganglioma. Identifiers: Orphanet 29072, MedGen C4274332, MONDO:0017366.

gnomAD v4.1: 16 of 1,587,506 alleles (0.001%); highest among the groups gnomAD compares: Non-Finnish European, 0.0014%; no homozygotes.

Submission:

Labcorp Genetics (formerly Invitae), Labcorp
Classification: Uncertain significance for Hereditary pheochromocytoma and paraganglioma. Last evaluated: 2022-03-17. Review status: criteria provided, single submitter. Criteria: Invitae Variant Classification Sherloc (09022015). Collection method: clinical testing. Allele origin: germline.
Comment: In summary, the available evidence is currently insufficient to determine the role of this variant in disease. Therefore, it has been classified as a Variant of Uncertain Significance. Algorithms developed to predict the effect of missense changes on protein structure and function are either unavailable or do not agree on the potential impact of this missense change (SIFT: "Deleterious"; PolyPhen-2: "Probably Damaging"; Align-GVGD: "Class C0"). This variant has not been reported in the literature in individuals affected with TMEM127-related conditions. This variant is not present in population databases (gnomAD no frequency). This sequence change replaces isoleucine, which is neutral and non-polar, with phenylalanine, which is neutral and non-polar, at codon 41 of the TMEM127 protein (p.Ile41Phe).

NM_017849.4(TMEM127):c.121A>T (p.Ile41Phe)

Genes: TMEM127 (transmembrane protein 127; minus strand), LOC129934333 (ATAC-STARR-seq lymphoblastoid silent region 11759; plus strand). Cytogenetic location: 2q11.2.
Variant type: single nucleotide variant.
Coding change: c.121A>T on transcript NM_017849.4 (MANE Select); coding-DNA position 121, A replaced by T.
Protein change: p.Ile41Phe; replaces isoleucine 41 with phenylalanine.
Molecular consequence: missense variant.
Genome position (GRCh38, 1-based): chr2:96,265,261, T>A on the plus strand (A>T on the coding strand, the complement: TMEM127 is on the minus strand). VCF-style: chr2-96265261-T-A. GRCh37 (hg19) VCF-style: chr2-96930999-T-A.
Other names: c.121A>T, p.Ile41Phe (NM_001193304.3); short protein forms I41F.
Identifiers: ClinVar variation 2040951 (VCV002040951.4), dbSNP rs760633411, ClinGen allele CA347656075.
Genomic context (GRCh38, chr2:96,265,261, plus strand): 5'-AGGTGCCTCCGTGGATGTGCAACCAGGCGGGCTCGGCGAGGGCAGTGCACAGCGCCGTGA[T>A]AGACAGGGCGCCAGGCAGGGCCGAGGCCAGGCTACGCTCCGGCTGCTTGGGCAGAGCGCT-3'
Protein context (NP_060319.1, residues 31-51): LASALPGALS[Ile41Phe]TALCTALAEP